The following is an entry in ClinVar:

ClinVar aggregate classification (germline): Likely pathogenic (1 of 4 stars; one submission).

Conditions:
Autosomal recessive nonsyndromic hearing loss 84B. Also called: Deafness, autosomal recessive 84b. Identifiers: Orphanet 90636, MedGen C3554159, MONDO:0013984, OMIM 614944.

gnomAD v4.1: 1 of 1,598,404 alleles (0.000063%); highest among the groups gnomAD compares: Admixed American, 0.0017%; no homozygotes.

Submission:

Genomics, Clalit Research Institute, Clalit Health Care
Classification: Likely pathogenic for Autosomal recessive nonsyndromic hearing loss 84B. Last evaluated: 2025-03-09. Review status: criteria provided, single submitter. Criteria: ACMG Guidelines, 2015. Collection method: clinical testing. Allele origin: germline. Inheritance: Autosomal recessive inheritance. Affected: yes. Observed: 1 compound heterozygote.
Comment: Frequency: The variant is absent from the gnomAD reference population dataset. Allelic data: This variant was previously reported in 2 cases: 1 homozygote and 1 in trans with a Likely Pathogenic variant (Internal data). Variant type: Null variant (stop gain) in a gene where LOF is a known mechanism of disease. Predicted to undergo NMD. Clinical evidence: To date, the variant has not been described by reputable sources or in the primary literature.

NM_001378609.3(OTOGL):c.4482G>A (p.Trp1494Ter)

Gene: OTOGL (otogelin like; plus strand). Cytogenetic location: 12q21.31.
Variant type: single nucleotide variant.
Coding change: c.4482G>A on transcript NM_001378609.3 (MANE Select); coding-DNA position 4482, G replaced by A.
Protein change: p.Trp1494Ter; replaces tryptophan 1494 with a stop codon.
Molecular consequence: nonsense.
Genome position (GRCh38, 1-based): chr12:80,336,022, G>A. VCF-style: chr12-80336022-G-A. GRCh37 (hg19) VCF-style: chr12-80729802-G-A.
Other names: c.4347G>A, p.Trp1449Ter (NM_001368062.3); c.4482G>A, p.Trp1494Ter (NM_001378610.3, NM_173591.7); short protein forms W1449*, W1494*.
Identifiers: ClinVar variation 3897720 (VCV003897720.2).
Genomic context (GRCh38, chr12:80,336,022, plus strand): 5'-GCCTCAGAAATTTGATCCTGTTTATGATTGTAGCCAATACATATGCCTTAATATGGAATG[G>A]CAGTTATACAACTGGTCCCTTAATTGCCCAAAGGACGTGGAAATGCCTGACTGTGGTTTC-3'